The following is an entry in ClinVar:

ClinVar aggregate classification (germline): Pathogenic (0 of 4 stars; one submission).

Conditions:
Deficiency of ferroxidase (ACEP). Also called: Deficiency of ceruloplasmin; Aceruloplasminemia; Ceruloplasmin deficiency; Familial apoceruloplasmin deficiency; Hereditary ceruloplasmin deficiency; NEURODEGENERATION WITH BRAIN IRON ACCUMULATION 10. Identifiers: Orphanet 48818, MedGen C0878682, MONDO:0011426, OMIM 604290, HP:0025498.

Allele frequency attached by ClinVar (database versions not stated): TOPMed below 0.00001; gnomAD 0.00001.
gnomAD v4.1: 1 of 1,614,014 alleles (0.000062%); highest among the groups gnomAD compares: Non-Finnish European, 0.000085%; no homozygotes.

Submission:

GeneReviews
Classification: Pathogenic for Aceruloplasminemia. Last evaluated: 2013-04-18. Review status: no assertion criteria provided. Collection method: curation. Allele origin: unknown.
ClinVar note: Converted during submission from pathologic to Pathogenic.

NM_000096.4(CP):c.1209-2A>G

Gene: CP (ceruloplasmin; minus strand). Cytogenetic location: 3q25.1.
Variant type: single nucleotide variant.
Coding change: c.1209-2A>G on transcript NM_000096.4 (MANE Select); the canonical splice acceptor site of the intron before coding-DNA position 1209, A replaced by G.
Molecular consequence: splice acceptor variant.
Genome position (GRCh38, 1-based): chr3:149,202,243, T>C on the plus strand (A>G on the coding strand, the complement: CP is on the minus strand). VCF-style: chr3-149202243-T-C. GRCh37 (hg19) VCF-style: chr3-148920030-T-C.
Other names: c.1209-2A>G.
Identifiers: ClinVar variation 42130 (VCV000042130.3), dbSNP rs386134137, ClinGen allele CA344587.